The following is an entry in ClinVar:

NM_004629.2(FANCG):c.1689G>C (p.Arg563=)

Gene: FANCG (FA complementation group G; minus strand). Cytogenetic location: 9p13.3.
Variant type: single nucleotide variant.
Coding change: c.1689G>C on transcript NM_004629.2 (MANE Select); coding-DNA position 1689, G replaced by C.
Protein change: p.Arg563=; no amino-acid change (arginine 563 retained).
Molecular consequence: synonymous variant.
Genome position (GRCh38, 1-based): chr9:35,074,442, C>G on the plus strand (G>C on the coding strand, the complement: FANCG is on the minus strand). VCF-style: chr9-35074442-C-G. GRCh37 (hg19) VCF-style: chr9-35074439-C-G.
Identifiers: ClinVar variation 366731 (VCV000366731.19), dbSNP rs138855718, ClinGen allele CA5039652.

ClinVar aggregate classification (germline): Conflicting classifications of pathogenicity. Review status: criteria provided, conflicting classifications (1 of 4 stars). 5 submissions from 5 submitters: Uncertain significance (1); Likely benign (3). 1 of the submissions does not count toward it. Last evaluated 2025-12-29.

Conditions:
Fanconi anemia (FA). Also called: Fanconi's anemia. Identifiers: Orphanet 84, MedGen C0015625, MeSH D005199, MONDO:0019391.
Inborn genetic diseases. Identifiers: MedGen C0950123, MeSH D030342.
Fanconi anemia complementation group G. Also called: Fanconi anemia group G; FANCG-Related Fanconi Anemia. Identifiers: Orphanet 84, MedGen C3469527, MONDO:0013565, OMIM 614082.
FANCG-related disorder. Also called: FANCG-related condition.

Allele frequency attached by ClinVar (database versions not stated): ESP Exome Variant Server 0.00015; ExAC 0.00017; TOPMed 0.00025.
gnomAD v4.1: 244 of 1,614,066 alleles (0.015%); highest among the groups gnomAD compares: Non-Finnish European, 0.02%; no homozygotes.

Submissions (5):

Labcorp Genetics (formerly Invitae), Labcorp
Classification: Likely benign for Fanconi anemia. Last evaluated: 2025-12-29. Review status: criteria provided, single submitter. Criteria: Invitae Variant Classification Sherloc (09022015). Collection method: clinical testing. Allele origin: germline.

Blueprint Genetics
Classification: Likely benign. Last evaluated: 2024-11-15. Review status: criteria provided, single submitter. Criteria: ACMG Guidelines, 2015. Collection method: clinical testing. Allele origin: germline.

Ambry Genetics
Classification: Likely benign for Inborn genetic diseases. Last evaluated: 2024-10-15. Review status: criteria provided, single submitter. Criteria: Ambry Variant Classification Scheme 2023. Collection method: clinical testing. Allele origin: germline.

Illumina Laboratory Services, Illumina
Classification: Uncertain significance for Fanconi anemia complementation group G. Last evaluated: 2018-01-13. Review status: criteria provided, single submitter. Criteria: ICSL Variant Classification Criteria 13 December 2019. Collection method: clinical testing. Allele origin: germline.

PreventionGenetics, part of Exact Sciences
Classification: Likely benign for FANCG-related condition. Last evaluated: 2019-07-26. Review status: no assertion criteria provided. Collection method: clinical testing. Allele origin: germline. Not counted in ClinVar's aggregate classification.
Comment: This variant is classified as likely benign based on ACMG/AMP sequence variant interpretation guidelines (Richards et al. 2015 PMID: 25741868, with internal and published modifications).